The following is an entry in ClinVar:

NM_001605.3(AARS1):c.2353A>G (p.Thr785Ala)

Gene: AARS1 (alanyl-tRNA synthetase 1; minus strand). Cytogenetic location: 16q22.1.
Variant type: single nucleotide variant.
Coding change: c.2353A>G on transcript NM_001605.3 (MANE Select); coding-DNA position 2353, A replaced by G.
Protein change: p.Thr785Ala; replaces threonine 785 with alanine.
Molecular consequence: missense variant.
Genome position (GRCh38, 1-based): chr16:70,254,668, T>C on the plus strand (A>G on the coding strand, the complement: AARS1 is on the minus strand). VCF-style: chr16-70254668-T-C. GRCh37 (hg19) VCF-style: chr16-70288571-T-C.
Other names: short protein forms T785A.
Identifiers: ClinVar variation 2849208 (VCV002849208.3), dbSNP rs762170680, ClinGen allele CA396555743.

ClinVar aggregate classification (germline): Uncertain significance (1 of 4 stars; one submission).

Conditions:
Charcot-Marie-Tooth disease type 2. Also called: Charcot-Marie-Tooth type 2. Identifiers: Orphanet 64746, MedGen C0270914, MONDO:0018993.

Allele frequency attached by ClinVar (database versions not stated): gnomAD 0.00001.
gnomAD v4.1: 2 of 1,613,994 alleles (0.00012%); highest among the groups gnomAD compares: African/African-American, 0.0027%; no homozygotes.

Submission:

Labcorp Genetics (formerly Invitae), Labcorp
Classification: Uncertain significance for Charcot-Marie-Tooth disease type 2. Last evaluated: 2023-04-10. Review status: criteria provided, single submitter. Criteria: Invitae Variant Classification Sherloc (09022015). Collection method: clinical testing. Allele origin: germline.
Comment: This sequence change replaces threonine, which is neutral and polar, with alanine, which is neutral and non-polar, at codon 785 of the AARS protein (p.Thr785Ala). This variant is present in population databases (no rsID available, gnomAD 0.008%). This variant has not been reported in the literature in individuals affected with AARS-related conditions. An algorithm developed to predict the effect of missense changes on protein structure and function (PolyPhen-2) suggests that this variant is likely to be tolerated. In summary, the available evidence is currently insufficient to determine the role of this variant in disease. Therefore, it has been classified as a Variant of Uncertain Significance.